The following is an entry in ClinVar:

ClinVar aggregate classification (germline): Uncertain significance (1 of 4 stars; one submission).

gnomAD v4.1: 3 of 1,593,718 alleles (0.00019%); highest among the groups gnomAD compares: Non-Finnish European, 0.00026%; no homozygotes.

Submission:

Ambry Genetics
Classification: Uncertain significance. Last evaluated: 2024-11-30. Review status: criteria provided, single submitter. Criteria: Ambry Variant Classification Scheme 2023. Collection method: clinical testing. Allele origin: germline.
Comment: The p.E1920D variant (also known as c.5760A>C), located in coding exon 23 of the WNK2 gene, results from an A to C substitution at nucleotide position 5760. The glutamic acid at codon 1920 is replaced by aspartic acid, an amino acid with highly similar properties. This amino acid position is conserved. In addition, the in silico prediction for this alteration is inconclusive. Based on the available evidence, the clinical significance of this variant remains unclear.

NM_006648.4(WNK2):c.5760A>C (p.Glu1920Asp)

Gene: WNK2 (WNK lysine deficient protein kinase 2; plus strand). Cytogenetic location: 9q22.31.
Variant type: single nucleotide variant.
Coding change: c.5760A>C on transcript NM_006648.4 (MANE Select); coding-DNA position 5760, A replaced by C.
Protein change: p.Glu1920Asp; replaces glutamic acid 1920 with aspartic acid.
Molecular consequence: missense variant.
Genome position (GRCh38, 1-based): chr9:93,297,904, A>C. VCF-style: chr9-93297904-A-C. GRCh37 (hg19) VCF-style: chr9-96060186-A-C.
Other names: c.5871A>C, p.Glu1957Asp (NM_001282394.3); short protein forms E1957D, E1920D.
Identifiers: ClinVar variation 3470521 (VCV003470521.1).
Genomic context (GRCh38, chr9:93,297,904, plus strand): 5'-CTCCTGCAGGCACCTGAAGGAGATCTCGGAGCTGCAGAGCCAGCAGAAGCAGGAGATCGA[A>C]GCTCTGTACCGCCGCCTGGGCAAGCCACTGCCCCCCAACGTGGGCTTCTTCCACACGGCA-3'
Protein context (NP_006639.3, residues 1910-1930): ELQSQQKQEI[Glu1920Asp]ALYRRLGKPL